The following is an entry in ClinVar:

NM_020944.3(GBA2):c.548G>A (p.Arg183Gln)

Gene: GBA2 (glucosylceramidase beta 2; minus strand). Cytogenetic location: 9p13.3.
Variant type: single nucleotide variant.
Coding change: c.548G>A on transcript NM_020944.3 (MANE Select); coding-DNA position 548, G replaced by A.
Protein change: p.Arg183Gln; replaces arginine 183 with glutamine.
Molecular consequence: missense variant.
Genome position (GRCh38, 1-based): chr9:35,744,316, C>T on the plus strand (G>A on the coding strand, the complement: GBA2 is on the minus strand). VCF-style: chr9-35744316-C-T. GRCh37 (hg19) VCF-style: chr9-35744313-C-T.
Other names: c.548G>A (NM_020944.2); c.548G>A, p.Arg183Gln (NM_001330660.2); short protein forms R183Q.
Identifiers: ClinVar variation 1437970 (VCV001437970.7), dbSNP rs202051129, ClinGen allele CA5050694.

ClinVar aggregate classification (germline): Conflicting classifications of pathogenicity. Review status: criteria provided, conflicting classifications (1 of 4 stars). 2 submissions from 2 submitters: Uncertain significance (1); Likely benign (1). Last evaluated 2025-09-27.

Conditions:
Inborn genetic diseases. Identifiers: MedGen C0950123, MeSH D030342.
Spastic paraplegia. Identifiers: MedGen C0037772, HP:0001258.

Allele frequency attached by ClinVar (database versions not stated): gnomAD 0.00001 and 0.00002; TOPMed 0.00002; 1000 Genomes Project 0.00040; gnomAD exomes 0.00008 and 0.00007; 1000 Genomes Project 30x 0.00031; ExAC 0.00008.
gnomAD v4.1: 115 of 1,607,472 alleles (0.0072%); highest among the groups gnomAD compares: South Asian, 0.031%; no homozygotes.

Submissions (2):

Ambry Genetics
Classification: Likely benign for Inborn genetic diseases. Last evaluated: 2025-09-27. Review status: criteria provided, single submitter. Criteria: Ambry Variant Classification Scheme 2023. Collection method: clinical testing. Allele origin: germline.

Labcorp Genetics (formerly Invitae), Labcorp
Classification: Uncertain significance for Spastic paraplegia. Last evaluated: 2020-11-15. Review status: criteria provided, single submitter. Criteria: Invitae Variant Classification Sherloc (09022015). Collection method: clinical testing. Allele origin: germline.
Comment: In summary, the available evidence is currently insufficient to determine the role of this variant in disease. Therefore, it has been classified as a Variant of Uncertain Significance. Algorithms developed to predict the effect of missense changes on protein structure and function output the following: SIFT: "Tolerated"; PolyPhen-2: "Benign"; Align-GVGD: "Class C0". The glutamine amino acid residue is found in multiple mammalian species, suggesting that this missense change does not adversely affect protein function. These predictions have not been confirmed by published functional studies and their clinical significance is uncertain. This variant has not been reported in the literature in individuals with GBA2-related conditions. This variant is present in population databases (rs202051129, ExAC 0.04%). This sequence change replaces arginine with glutamine at codon 183 of the GBA2 protein (p.Arg183Gln). The arginine residue is weakly conserved and there is a small physicochemical difference between arginine and glutamine.